The following is an entry in ClinVar:

ClinVar aggregate classification (germline): Likely pathogenic (1 of 4 stars; one submission).

Conditions:
POLRMT-related disorder. Also called: POLRMT-related condition.

Submission:

PreventionGenetics, part of Exact Sciences
Classification: Likely pathogenic for POLRMT-related condition. Last evaluated: 2025-11-25. Review status: criteria provided, single submitter. Criteria: ACMG Guidelines, 2015. Collection method: clinical testing. Allele origin: germline.
Comment: The POLRMT c.1318C>T variant is predicted to result in premature protein termination (p.Gln440*). To our knowledge, this variant has not been reported in the literature or in a large population database (gnomAD), indicating this variant is rare. Nonsense variants in POLRMT are expected to be pathogenic. This variant is interpreted as likely pathogenic.

NM_005035.4(POLRMT):c.1318C>T (p.Gln440Ter)

Gene: POLRMT (RNA polymerase mitochondrial; minus strand). Cytogenetic location: 19p13.3.
Variant type: single nucleotide variant.
Coding change: c.1318C>T on transcript NM_005035.4 (MANE Select); coding-DNA position 1318, C replaced by T.
Protein change: p.Gln440Ter; replaces glutamine 440 with a stop codon.
Molecular consequence: nonsense. On other transcripts: non-coding transcript variant (1).
Genome position (GRCh38, 1-based): chr19:622,958, G>A on the plus strand (C>T on the coding strand, the complement: POLRMT is on the minus strand). VCF-style: chr19-622958-G-A. GRCh37 (hg19) VCF-style: chr19-622958-G-A.
Other names: c.1318C>T, p.Gln440Ter (NM_001407808.1, NM_001407809.1, NM_001407812.1 and 8 more transcripts); c.1306C>T, p.Gln436Ter (NM_001407810.1, NM_001407807.1); c.1276C>T, p.Gln426Ter (NM_001407811.1, NM_001407813.1); c.994C>T, p.Gln332Ter (NM_001407831.1, NM_001407833.1, NM_001407834.1 and 2 more transcripts); short protein forms Q332*, Q426*, Q440*, Q436*.
Identifiers: ClinVar variation 4997570 (VCV004997570.1).